The following is an entry in ClinVar:

ClinVar aggregate classification (germline): Likely benign. Review status: criteria provided, multiple submitters, no conflicts (2 of 4 stars). 2 submissions from 2 submitters: Likely benign (2). Last evaluated 2025-10-08.

Allele frequency attached by ClinVar (database versions not stated): gnomAD 0.00003 and 0.00004; ExAC 0.00004; gnomAD exomes 0.00004; ESP Exome Variant Server 0.00008; TOPMed 0.00011.
gnomAD v4.1: 44 of 1,612,166 alleles (0.0027%); highest among the groups gnomAD compares: Middle Eastern, 0.042%; no homozygotes.

Submissions (2):

Labcorp Genetics (formerly Invitae), Labcorp
Classification: Likely benign. Last evaluated: 2025-10-08. Review status: criteria provided, single submitter. Criteria: Invitae Variant Classification Sherloc (09022015). Collection method: clinical testing. Allele origin: germline.

CeGaT Center for Human Genetics Tuebingen
Classification: Likely benign. Last evaluated: 2023-01-01. Review status: criteria provided, single submitter. Criteria: CeGaT Center For Human Genetics Tuebingen Variant Classification Criteria Version 2. Collection method: clinical testing. Allele origin: germline. Affected: yes. Observed: 1 variant allele.
Comment: HSPG2: BP4, BP7

NM_005529.7(HSPG2):c.3600G>A (p.Arg1200=)

Gene: HSPG2 (heparan sulfate proteoglycan 2; minus strand). Cytogenetic location: 1p36.12.
Variant type: single nucleotide variant.
Coding change: c.3600G>A on transcript NM_005529.7 (MANE Select); coding-DNA position 3600, G replaced by A.
Protein change: p.Arg1200=; no amino-acid change (arginine 1200 retained).
Molecular consequence: synonymous variant.
Genome position (GRCh38, 1-based): chr1:21,874,462, C>T on the plus strand (G>A on the coding strand, the complement: HSPG2 is on the minus strand). VCF-style: chr1-21874462-C-T. GRCh37 (hg19) VCF-style: chr1-22200955-C-T.
Other names: c.3603G>A, p.Arg1201= (NM_001291860.2).
Identifiers: ClinVar variation 794695 (VCV000794695.33), dbSNP rs367782811, ClinGen allele CA672592.